The following is an entry in ClinVar:

NM_002230.4(JUP):c.596T>G (p.Leu199Arg)

Gene: JUP (junction plakoglobin; minus strand). Cytogenetic location: 17q21.2.
Variant type: single nucleotide variant.
Coding change: c.596T>G on transcript NM_002230.4 (MANE Select); coding-DNA position 596, T replaced by G.
Protein change: p.Leu199Arg; replaces leucine 199 with arginine.
Molecular consequence: missense variant.
Genome position (GRCh38, 1-based): chr17:41,769,080, A>C on the plus strand (T>G on the coding strand, the complement: JUP is on the minus strand). VCF-style: chr17-41769080-A-C. GRCh37 (hg19) VCF-style: chr17-39925332-A-C.
Other names: c.596T>G, p.Leu199Arg (NM_001352773.2, NM_001352774.2, NM_001352775.2 and 3 more transcripts); short protein forms L199R.
Identifiers: ClinVar variation 4790326 (VCV004790326.1).

ClinVar aggregate classification (germline): Uncertain significance (1 of 4 stars; one submission).

Conditions:
Arrhythmogenic right ventricular dysplasia 12. Also called: ARRHYTHMOGENIC RIGHT VENTRICULAR DYSPLASIA, FAMILIAL, 12. Identifiers: MedGen C1969081, MONDO:0012684, OMIM 611528.
Naxos disease (NXD). Also called: CARDIOMYOPATHY, ARRHYTHMOGENIC RIGHT VENTRICULAR, WITH SKIN, HAIR, AND NAIL ABNORMALITIES; KERATOSIS PALMOPLANTARIS WITH ARRHYTHMOGENIC CARDIOMYOPATHY; MAL DE NAXOS; PALMOPLANTAR KERATODERMA WITH ARRHYTHMOGENIC RIGHT VENTRICULAR CARDIOMYOPATHY AND WOOLLY HAIR; WOOLLY HAIR, PALMOPLANTAR KERATODERMA, AND CARDIAC ABNORMALITIES. Identifiers: Orphanet 34217, MedGen C1832600, MONDO:0011017, OMIM 601214.

Submission:

Labcorp Genetics (formerly Invitae), Labcorp
Classification: Uncertain significance for Arrhythmogenic right ventricular dysplasia 12; Naxos disease. Last evaluated: 2025-11-08. Review status: criteria provided, single submitter. Criteria: Invitae Variant Classification Sherloc (09022015). Collection method: clinical testing. Allele origin: germline.
Comment: This sequence change replaces leucine, which is neutral and non-polar, with arginine, which is basic and polar, at codon 199 of the JUP protein (p.Leu199Arg). This variant is not present in population databases (gnomAD no frequency). This variant has not been reported in the literature in individuals affected with JUP-related conditions. An algorithm developed to predict the effect of missense changes on protein structure and function (PolyPhen-2) suggests that this variant is likely to be tolerated. In summary, the available evidence is currently insufficient to determine the role of this variant in disease. Therefore, it has been classified as a Variant of Uncertain Significance.